The following is an entry in ClinVar:

NM_000551.4(VHL):c.485G>A (p.Cys162Tyr)

Genes: VHL (von Hippel-Lindau tumor suppressor; plus strand), LOC107303340 (3p25 von Hippel-Lindau tumor suppressor, E3 ubiquitin protein ligase Alu-mediated recombination region; plus strand). Cytogenetic location: 3p25.3.
Variant type: single nucleotide variant.
Coding change: c.485G>A on transcript NM_000551.4 (MANE Select); coding-DNA position 485, G replaced by A.
Protein change: p.Cys162Tyr; replaces cysteine 162 with tyrosine.
Molecular consequence: missense variant. On other transcripts: 3 prime UTR variant (1).
Genome position (GRCh38, 1-based): chr3:10,149,808, G>A. VCF-style: chr3-10149808-G-A. GRCh37 (hg19) VCF-style: chr3-10191492-G-A.
Other names: c.*39G>A (NM_001354723.2); c.362G>A, p.Cys121Tyr (NM_198156.3); short protein forms C162Y, C121Y.
Identifiers: ClinVar variation 223225 (VCV000223225.7), dbSNP rs397516444, ClinGen allele CA357010.

ClinVar aggregate classification (germline): Pathogenic/Likely pathogenic. Review status: criteria provided, multiple submitters, no conflicts (2 of 4 stars). 4 submissions from 4 submitters: Pathogenic (2); Likely pathogenic (1). 1 of the submissions does not count toward it. Last evaluated 2025-08-08.

Conditions:
Hereditary cancer-predisposing syndrome. Also called: Tumor predisposition; Hereditary Cancer Syndrome; Neoplastic Syndromes, Hereditary; Hereditary neoplastic syndrome. Identifiers: Orphanet 140162, MedGen C0027672, MeSH D009386, MONDO:0015356.
Pheochromocytoma. Also called: MAX-Related Hereditary Paraganglioma-Pheochromocytoma Syndrome. Identifiers: Orphanet 29072, MedGen C0031511, MONDO:0008233, OMIM 171300, HP:0002666.
Von Hippel-Lindau syndrome (VHLS). Also called: Von Hippel-Lindau; von Hippel–Lindau syndrome; VHL syndrome. Identifiers: Orphanet 892, MedGen C0019562, MONDO:0008667, OMIM 193300. Disease mechanism: loss of function.

Submissions (4):

3billion
Classification: Pathogenic for Pheochromocytoma. Last evaluated: 2025-08-08. Review status: criteria provided, single submitter. Criteria: ACMG Guidelines, 2015. Collection method: clinical testing. Allele origin: germline. Affected: yes.
Comment: The variant is not observed in the gnomAD v4.1.0 dataset. Predicted Consequence/Location: The variant is located in a mutational hot spot and/or well-established functional domain in which established pathogenic variants have been reported (PMID: 18095884). In silico tool predictions suggest damaging effect of the variant on gene or gene product [REVEL: 0.90 (>=0.6, sensitivity 0.68 and specificity 0.92); 3Cnet: 0.99 (> 0.75, sensitivity 0.96 and precision 0.92)]. The same nucleotide change resulting in the same amino acid change has been previously reported as pathogenic/likely pathogenic with strong evidence (ClinVar ID: VCV000223225 /PMID: 8634692). Different missense changes at the same codon (p.Cys162Arg, p.Cys162Phe, p.Cys162Ser, p.Cys162Trp) have been reported as pathogenic/likely pathogenic with strong evidence (ClinVar ID: VCV000043604, VCV000223227, VCV000496067, VCV002951902, VCV003753900 /PMID: 7728151). Therefore, this variant is classified as Pathogenic according to the recommendation of ACMG/AMP guideline.

Ambry Genetics
Classification: Pathogenic for Hereditary cancer-predisposing syndrome. Last evaluated: 2023-12-07. Review status: criteria provided, single submitter. Criteria: Ambry Variant Classification Scheme 2023. Collection method: clinical testing. Allele origin: germline.
Comment: The p.C162Y variant (also known as c.485G>A), located in coding exon 3 of the VHL gene, results from a G to A substitution at nucleotide position 485. The cysteine at codon 162 is replaced by tyrosine, an amino acid with highly dissimilar properties. This alteration has been identified in multiple individuals with hemangioblastomas (Kondo K. Hum Mol Genet, 1995 Dec;4:2233-7; Woodward ER et al. Brain, 2007 Mar;130:836-42; de Rojas-P I et al. Cells, 2021 Sep;10; Ambry internal data). This alteration was also identified in families with von Hippel-Lindau (VHL) (Yoshida M et al. Jpn J Cancer Res, 2000 Feb;91:204-12, Zhang J et al. J Cancer Res Clin Oncol, 2008 Nov;134:1211-8). This alteration is also known as 698G>A in published literature. This amino acid position is highly conserved in available vertebrate species. In addition, this alteration is predicted to be deleterious by in silico analysis. This variant is considered to be rare based on population cohorts in the Genome Aggregation Database (gnomAD). Another alteration at the same codon, p.C162R (c.484T>C), has been reported in numerous families diagnosed with VHL (Chen F et al. Hum Mutat. 1995;5:66-75; Gallou C et al. Hum. Mutat. 1999;13:464-75; Cho HJ et al. J. Korean Med. Sci. 2009 Feb;24:77-83; Zhang J et al. Chin Med J (Engl). 2015 Jan;128:32-8). Based on the supporting evidence, this alteration is interpreted as a disease-causing mutation.

Genetics and Molecular Pathology, SA Pathology
Classification: Likely pathogenic for Von Hippel-Lindau syndrome. Last evaluated: 2020-11-02. Review status: criteria provided, single submitter. Criteria: ACMG Guidelines, 2015. Collection method: clinical testing. Allele origin: germline. Inheritance: Autosomal dominant inheritance. Affected: yes.
Comment: PM2, PS4, PP3, PM3, PP5, PP4

Genomic Diagnostic Laboratory, Division of Genomic Diagnostics, Children's Hospital of Philadelphia
Classification: Pathogenic for Von Hippel-Lindau syndrome. Last evaluated: 2016-02-26. Review status: no assertion criteria provided. Collection method: clinical testing. Allele origin: germline. Affected: yes. Observed: 5 variant alleles. Not counted in ClinVar's aggregate classification.

Literature cited by the submitters: PubMed 7728151 (cited by 3billion); PubMed 8634692 (cited by 3billion and Ambry Genetics); PubMed 10761708 (cited by Ambry Genetics); PubMed 17264095 (cited by Ambry Genetics); PubMed 18446368 (cited by Ambry Genetics); PubMed 34571962 (cited by Ambry Genetics).